The following is an entry in ClinVar:

NM_001099922.3(ALG13):c.544T>A (p.Cys182Ser)

Gene: ALG13 (ALG13 UDP-N-acetylglucosaminyltransferase subunit; plus strand). Cytogenetic location: Xq23.
Variant type: single nucleotide variant.
Coding change: c.544T>A on transcript NM_001099922.3 (MANE Select); coding-DNA position 544, T replaced by A.
Protein change: p.Cys182Ser; replaces cysteine 182 with serine.
Molecular consequence: missense variant. On other transcripts: non-coding transcript variant (1).
Genome position (GRCh38, 1-based): chrX:111,708,187, T>A. VCF-style: chrX-111708187-T-A. GRCh37 (hg19) VCF-style: chrX-110951415-T-A.
Other names: c.544T>A (NM_001099922.2); c.232T>A, p.Cys78Ser (NM_001257230.2, NM_001257234.2, NM_001257237.2 and 1 more transcripts); c.310T>A, p.Cys104Ser (NM_001257231.2); c.544T>A, p.Cys182Ser (NM_001324292.2); short protein forms C104S, C182S, C78S.
Identifiers: ClinVar variation 1122898 (VCV001122898.11), dbSNP rs778876158, ClinGen allele CA10493551.

ClinVar aggregate classification (germline): Likely benign. Review status: criteria provided, single submitter (1 of 4 stars). 2 submissions from 2 submitters: Likely benign (1). 1 of the submissions does not count toward it. Last evaluated 2025-08-04.

Conditions:
Developmental and epileptic encephalopathy, 36 (DEE36). Also called: Epileptic encephalopathy, early infantile, 36; Congenital disorder of glycosylation, type Is; ALG13-CDG. Identifiers: Orphanet 324422, MedGen C4317295, MONDO:0010472, OMIM 300884.
ALG13-related disorder. Also called: ALG13-related condition.

Allele frequency attached by ClinVar (database versions not stated): gnomAD exomes 0.00002 and 0.00009; TOPMed 0.00002; ExAC 0.00005.
gnomAD v4.1: 16 of 1,211,739 alleles (0.0013%); highest among the groups gnomAD compares: Admixed American, 0.035%; no homozygotes.

Submissions (2):

Labcorp Genetics (formerly Invitae), Labcorp
Classification: Likely benign for Developmental and epileptic encephalopathy, 36. Last evaluated: 2025-08-04. Review status: criteria provided, single submitter. Criteria: Invitae Variant Classification Sherloc (09022015). Collection method: clinical testing. Allele origin: germline.

PreventionGenetics, part of Exact Sciences
Classification: Likely benign for ALG13-related condition. Last evaluated: 2022-04-21. Review status: no assertion criteria provided. Collection method: clinical testing. Allele origin: germline. Not counted in ClinVar's aggregate classification.
Comment: This variant is classified as likely benign based on ACMG/AMP sequence variant interpretation guidelines (Richards et al. 2015 PMID: 25741868, with internal and published modifications).